The following is an entry in ClinVar:

ClinVar aggregate classification (germline): Uncertain significance. Review status: criteria provided, multiple submitters, no conflicts (2 of 4 stars). 2 submissions from 2 submitters: Uncertain significance (2). Last evaluated 2023-10-11.

gnomAD v4.1: 31 of 1,614,172 alleles (0.0019%); highest among the groups gnomAD compares: Non-Finnish European, 0.0025%; no homozygotes.

Submissions (2):

Blueprint Genetics
Classification: Uncertain significance. Last evaluated: 2023-10-11. Review status: criteria provided, single submitter. Criteria: ACMG Guidelines, 2015. Collection method: clinical testing. Allele origin: germline.

Labcorp Genetics (formerly Invitae), Labcorp
Classification: Uncertain significance. Last evaluated: 2023-07-17. Review status: criteria provided, single submitter. Criteria: Invitae Variant Classification Sherloc (09022015). Collection method: clinical testing. Allele origin: germline.
Comment: This variant is not present in population databases (gnomAD no frequency). This sequence change replaces glycine, which is neutral and non-polar, with arginine, which is basic and polar, at codon 740 of the DSG1 protein (p.Gly740Arg). This variant has not been reported in the literature in individuals affected with DSG1-related conditions. In summary, the available evidence is currently insufficient to determine the role of this variant in disease. Therefore, it has been classified as a Variant of Uncertain Significance. Advanced modeling of protein sequence and biophysical properties (such as structural, functional, and spatial information, amino acid conservation, physicochemical variation, residue mobility, and thermodynamic stability) performed at Invitae indicates that this missense variant is not expected to disrupt DSG1 protein function. ClinVar contains an entry for this variant (Variation ID: 1522580).

NM_001942.4(DSG1):c.2218G>C (p.Gly740Arg)

Genes: DSG1 (desmoglein 1; plus strand), DSG1-AS1 (DSG1 antisense RNA 1; minus strand), LOC126862720 (MED14-independent group 3 enhancer GRCh37_chr18:28933613-28934812; plus strand). Cytogenetic location: 18q12.1.
Variant type: single nucleotide variant.
Coding change: c.2218G>C on transcript NM_001942.4 (MANE Select); coding-DNA position 2218, G replaced by C.
Protein change: p.Gly740Arg; replaces glycine 740 with arginine.
Molecular consequence: missense variant. On other transcripts: non-coding transcript variant (1).
Genome position (GRCh38, 1-based): chr18:31,354,414, G>C. VCF-style: chr18-31354414-G-C. GRCh37 (hg19) VCF-style: chr18-28934377-G-C.
Other names: short protein forms G740R.
Identifiers: ClinVar variation 1522580 (VCV001522580.7), dbSNP rs200136926, ClinGen allele CA297704132.